The following is an entry in ClinVar:

ClinVar aggregate classification (germline): Uncertain significance (1 of 4 stars; one submission).

Allele frequency attached by ClinVar (database versions not stated): gnomAD 0.00001; gnomAD exomes 0.00001 and 0.00002; TOPMed 0.00001; ExAC 0.00002.

Submission:

Labcorp Genetics (formerly Invitae), Labcorp
Classification: Uncertain significance. Last evaluated: 2022-02-08. Review status: criteria provided, single submitter. Criteria: Invitae Variant Classification Sherloc (09022015). Collection method: clinical testing. Allele origin: germline.
Comment: This sequence change replaces threonine, which is neutral and polar, with alanine, which is neutral and non-polar, at codon 149 of the TANGO2 protein (p.Thr149Ala). This variant is present in population databases (rs756155779, gnomAD 0.002%). This variant has not been reported in the literature in individuals affected with TANGO2-related conditions. Algorithms developed to predict the effect of missense changes on protein structure and function output the following: SIFT: "Not Available"; PolyPhen-2: "Benign"; Align-GVGD: "Not Available". The alanine amino acid residue is found in multiple mammalian species, which suggests that this missense change does not adversely affect protein function. In summary, the available evidence is currently insufficient to determine the role of this variant in disease. Therefore, it has been classified as a Variant of Uncertain Significance.

NM_152906.7(TANGO2):c.445A>G (p.Thr149Ala)

Gene: TANGO2 (transport and golgi organization 2 homolog; plus strand). Cytogenetic location: 22q11.21.
Variant type: single nucleotide variant.
Coding change: c.445A>G on transcript NM_152906.7 (MANE Select); coding-DNA position 445, A replaced by G.
Protein change: p.Thr149Ala; replaces threonine 149 with alanine.
Molecular consequence: missense variant. On other transcripts: non-coding transcript variant (4), intron variant (11).
Genome position (GRCh38, 1-based): chr22:20,056,007, A>G. VCF-style: chr22-20056007-A-G. GRCh37 (hg19) VCF-style: chr22-20043530-A-G.
Other names: c.445A>G, p.Thr149Ala (NM_001283106.3, NM_001283116.3, NM_001283148.3 and 2 more transcripts); c.568A>G, p.Thr190Ala (NM_001283129.3, NM_001283215.3, NM_001322141.2 and 2 more transcripts); c.151A>G, p.Thr51Ala (NM_001283235.3, NM_001322150.2, NM_001322153.2 and 6 more transcripts); c.343A>G, p.Thr115Ala (NM_001322146.2, NM_001322148.2, NM_001322160.2); c.265+3423A>G (NM_001322163.2, NM_001283179.3, NM_001322167.2 and 4 more transcripts); c.388+3423A>G (NM_001322145.2, NM_001322147.2); c.380+2456A>G (NM_001283199.3); c.503+2456A>G (NM_001322149.2); short protein forms T190A, T115A, T149A, T51A.
Identifiers: ClinVar variation 1378740 (VCV001378740.5), dbSNP rs756155779, ClinGen allele CA10106360.